The following is an entry in ClinVar:

ClinVar aggregate classification (germline): Uncertain significance (1 of 4 stars; one submission).

Conditions:
Wilson disease (WND). Also called: Wilson's disease. Identifiers: Orphanet 905, MedGen C0019202, MONDO:0010200, OMIM 277900. Disease mechanism: loss of function.

Submission:

Color Diagnostics, LLC DBA Color Health
Classification: Uncertain significance for Wilson disease. Last evaluated: 2024-02-06. Review status: criteria provided, single submitter. Criteria: ACMG Guidelines, 2015. Collection method: clinical testing. Allele origin: germline.
Comment: This missense variant replaces tryptophan with serine at codon 29 of the ATP7B protein. Computational prediction suggests that this variant may not impact protein structure and function. To our knowledge, functional studies have not been reported for this variant. This variant has not been reported in individuals affected with ATP7B-related disorders in the literature. This variant has been identified in 1/249436 chromosomes in the general population by the Genome Aggregation Database (gnomAD). The available evidence is insufficient to determine the role of this variant in disease conclusively. Therefore, this variant is classified as a Variant of Uncertain Significance.

NM_000053.4(ATP7B):c.86G>C (p.Trp29Ser)

Gene: ATP7B (ATPase copper transporting beta; minus strand). Cytogenetic location: 13q14.3.
Variant type: single nucleotide variant.
Coding change: c.86G>C on transcript NM_000053.4 (MANE Select); coding-DNA position 86, G replaced by C.
Protein change: p.Trp29Ser; replaces tryptophan 29 with serine.
Molecular consequence: missense variant. On other transcripts: 5 prime UTR variant (7).
Genome position (GRCh38, 1-based): chr13:51,975,134, C>G on the plus strand (G>C on the coding strand, the complement: ATP7B is on the minus strand). VCF-style: chr13-51975134-C-G. GRCh37 (hg19) VCF-style: chr13-52549270-C-G.
Other names: c.86G>C, p.Trp29Ser (NM_001406515.1, NM_001406516.1, NM_001406519.1 and 30 more transcripts); c.-11G>C (NM_001406517.1, NM_001406518.1, NM_001406530.1 and 4 more transcripts); short protein forms W29S.
Identifiers: ClinVar variation 4758520 (VCV004758520.1).